The following is an entry in ClinVar:

ClinVar aggregate classification (germline): Uncertain significance (1 of 4 stars; one submission).

Submission:

Ambry Genetics
Classification: Uncertain significance. Last evaluated: 2026-05-02. Review status: criteria provided, single submitter. Criteria: Ambry Variant Classification Scheme 2023. Collection method: clinical testing. Allele origin: germline.
Comment: The p.D446Y variant (also known as c.1336G>T), located in coding exon 6 of the WNK2 gene, results from a G to T substitution at nucleotide position 1336. The aspartic acid at codon 446 is replaced by tyrosine, an amino acid with highly dissimilar properties. This amino acid position is conserved. In addition, the in silico prediction for this alteration is inconclusive. Based on the available evidence, the clinical significance of this variant remains unclear.

NM_006648.4(WNK2):c.1336G>T (p.Asp446Tyr)

Gene: WNK2 (WNK lysine deficient protein kinase 2; plus strand). Cytogenetic location: 9q22.31.
Variant type: single nucleotide variant.
Coding change: c.1336G>T on transcript NM_006648.4 (MANE Select); coding-DNA position 1336, G replaced by T.
Protein change: p.Asp446Tyr; replaces aspartic acid 446 with tyrosine.
Molecular consequence: missense variant.
Genome position (GRCh38, 1-based): chr9:93,239,770, G>T. VCF-style: chr9-93239770-G-T. GRCh37 (hg19) VCF-style: chr9-96002052-G-T.
Other names: c.1336G>T, p.Asp446Tyr (NM_001282394.3); short protein forms D446Y.
Identifiers: ClinVar variation 4866639 (VCV004866639.1).